The following is an entry in ClinVar:

NM_000388.4(CASR):c.500A>C (p.Tyr167Ser)

Gene: CASR (calcium sensing receptor; plus strand). Cytogenetic location: 3q21.1.
Variant type: single nucleotide variant.
Coding change: c.500A>C on transcript NM_000388.4 (MANE Select); coding-DNA position 500, A replaced by C.
Protein change: p.Tyr167Ser; replaces tyrosine 167 with serine.
Molecular consequence: missense variant.
Genome position (GRCh38, 1-based): chr3:122,261,535, A>C. VCF-style: chr3-122261535-A-C. GRCh37 (hg19) VCF-style: chr3-121980382-A-C.
Other names: p.Tyr167Ser; c.500A>C, p.Tyr167Ser (NM_001178065.2); short protein forms Y167S.
Identifiers: ClinVar variation 3379485 (VCV003379485.1).
Genomic context (GRCh38, chr3:122,261,535, plus strand): 5'-GCACCTCTTCACTCACTCACTCACTCATTCACCATGTTCTTGGTTCTCTCCAGGTCAGTT[A>C]TGCCTCCTCCAGCAGACTCCTCAGCAACAAGAATCAATTCAAGTCTTTCCTCCGAACCAT-3'
Protein context (NP_000379.3, residues 157-177): LGLFYIPQVS[Tyr167Ser]ASSSRLLSNK

ClinVar aggregate classification (germline): Uncertain significance (1 of 4 stars; one submission).

Submission:

Mayo Clinic Laboratories, Mayo Clinic
Classification: Uncertain significance. Last evaluated: 2024-03-26. Review status: criteria provided, single submitter. Criteria: ACMG Guidelines, 2015. Collection method: clinical testing. Allele origin: germline. Observed: 1 variant allele.
Comment: PP3, PM2